The following is an entry in ClinVar:

ClinVar aggregate classification (germline): Uncertain significance (1 of 4 stars; one submission).

Conditions:
Familial temporal lobe epilepsy 7. Identifiers: Orphanet 101046, MedGen C4225327, MONDO:0014639, OMIM 616436.
Norman-Roberts syndrome (LIS2). Also called: Lissencephaly 2 (Norman-Roberts type). Identifiers: Orphanet 89844, MedGen C0796089, MONDO:0009760, OMIM 257320.

Allele frequency attached by ClinVar (database versions not stated): gnomAD exomes below 0.00001; TOPMed below 0.00001.
gnomAD v4.1: 1 of 1,611,850 alleles (0.000062%); highest among the groups gnomAD compares: Admixed American, 0.0017%; no homozygotes.

Submission:

Labcorp Genetics (formerly Invitae), Labcorp
Classification: Uncertain significance for Familial temporal lobe epilepsy 7; Norman-Roberts syndrome. Last evaluated: 2024-12-09. Review status: criteria provided, single submitter. Criteria: Invitae Variant Classification Sherloc (09022015). Collection method: clinical testing. Allele origin: germline.
Comment: This sequence change replaces alanine, which is neutral and non-polar, with serine, which is neutral and polar, at codon 287 of the RELN protein (p.Ala287Ser). This variant is present in population databases (no rsID available, gnomAD 0.003%). This variant has not been reported in the literature in individuals affected with RELN-related conditions. ClinVar contains an entry for this variant (Variation ID: 2142914). Invitae Evidence Modeling of protein sequence and biophysical properties (such as structural, functional, and spatial information, amino acid conservation, physicochemical variation, residue mobility, and thermodynamic stability) indicates that this missense variant is not expected to disrupt RELN protein function with a negative predictive value of 80%. In summary, the available evidence is currently insufficient to determine the role of this variant in disease. Therefore, it has been classified as a Variant of Uncertain Significance.

NM_005045.4(RELN):c.859G>T (p.Ala287Ser)

Gene: RELN (reelin; minus strand). Cytogenetic location: 7q22.1.
Variant type: single nucleotide variant.
Coding change: c.859G>T on transcript NM_005045.4 (MANE Select); coding-DNA position 859, G replaced by T.
Protein change: p.Ala287Ser; replaces alanine 287 with serine.
Molecular consequence: missense variant.
Genome position (GRCh38, 1-based): chr7:103,700,953, C>A on the plus strand (G>T on the coding strand, the complement: RELN is on the minus strand). VCF-style: chr7-103700953-C-A. GRCh37 (hg19) VCF-style: chr7-103341400-C-A.
Other names: c.859G>T, p.Ala287Ser (NM_173054.3); short protein forms A287S.
Identifiers: ClinVar variation 2142914 (VCV002142914.4), dbSNP rs1336511176, ClinGen allele CA368928035.